The following is an entry in ClinVar:

ClinVar aggregate classification (germline): Pathogenic (1 of 4 stars; one submission).

Conditions:
Nemaline myopathy 2 (NEM2). Also called: Nemaline myopathy 2, autosomal recessive. Identifiers: MedGen C1850569, MONDO:0009725, OMIM 256030.

Submission:

Myriad Genetics, Inc.
Classification: Pathogenic for Nemaline myopathy 2. Last evaluated: 2024-08-12. Review status: criteria provided, single submitter. Criteria: Myriad Autosomal Dominant, Autosomal Recessive and X-Linked Classification Criteria (2023). Collection method: clinical testing. Allele origin: unknown.
Comment: NM_001271208.1(NEB):c.11537G>A(W3846*) is expected to be pathogenic in the context of NEB-related nemaline myopathy. This variant is predicted to lead to an abnormal or absent protein product due to the creation of a premature termination codon in NEB, a gene where loss-of-function variants are known to be pathogenic. Please note: this variant was assessed in the context of healthy population screening.

NM_001164508.2(NEB):c.11537G>A (p.Trp3846Ter)

Gene: NEB (nebulin; minus strand). Cytogenetic location: 2q23.3.
Variant type: single nucleotide variant.
Coding change: c.11537G>A on transcript NM_001164508.2 (MANE Select); coding-DNA position 11537, G replaced by A.
Protein change: p.Trp3846Ter; replaces tryptophan 3846 with a stop codon.
Molecular consequence: nonsense.
Genome position (GRCh38, 1-based): chr2:151,614,340, C>T on the plus strand (G>A on the coding strand, the complement: NEB is on the minus strand). VCF-style: chr2-151614340-C-T. GRCh37 (hg19) VCF-style: chr2-152470854-C-T.
Other names: c.11537G>A, p.Trp3846Ter (NM_001164507.2, NM_001271208.2); c.10808G>A, p.Trp3603Ter (NM_004543.5); short protein forms W3603*, W3846*.
Identifiers: ClinVar variation 5013447 (VCV005013447.1).